The following is an entry in ClinVar:

ClinVar aggregate classification (germline): Likely pathogenic (1 of 4 stars; one submission).

Conditions:
Cardiovascular phenotype. Identifiers: MedGen CN230736.
Hereditary cancer-predisposing syndrome. Also called: Tumor predisposition; Neoplastic Syndromes, Hereditary; Hereditary Cancer Syndrome; Hereditary neoplastic syndrome. Identifiers: Orphanet 140162, MedGen C0027672, MeSH D009386, MONDO:0015356.

Submission:

Ambry Genetics
Classification: Likely pathogenic for Cardiovascular phenotype; Hereditary cancer-predisposing syndrome. Last evaluated: 2024-12-13. Review status: criteria provided, single submitter. Criteria: Ambry Variant Classification Scheme 2023. Collection method: clinical testing. Allele origin: germline.
Comment: The c.1527+4delA intronic variant, located in intron 13 of the NF1 gene, results from a deletion of one nucleotide within intron 13 of the NF1 gene. This variant was reported in individual(s) with features consistent with neurofibromatosis type 1 (NF1) (Ambry internal data). This nucleotide position is highly conserved in available vertebrate species. In silico splice site analysis predicts that this alteration will weaken the native splice donor site. Other variant(s) impacting the same donor site (c.1527+4_1527+7delAGTA, c.1527+5G>A) have been identified in individual(s) with features consistent with neurofibromatosis type 1 (NF1) (Messiaen LM et al. Genet Med. 1999 Sep-Oct;1(6):248-53; Ars E et al. J Med Genet. 2003 Jun;40(6):e82; Evans DG et al. EBioMedicine. 2016 May;7:212-20; Melloni G et al. Cancers (Basel), 2019 11;11). This variant is considered to be rare based on population cohorts in the Genome Aggregation Database (gnomAD). Based on the majority of available evidence to date, this variant is likely to be pathogenic.

NM_001042492.3(NF1):c.1527+4del

Gene: NF1 (neurofibromin 1; plus strand). Cytogenetic location: 17q11.2.
Variant type: Deletion.
Coding change: c.1527+4del on transcript NM_001042492.3 (MANE Select); 4 bases into the intron after coding-DNA position 1527, one base deleted (A; older notation c.1527+4delA).
Molecular consequence: intron variant.
Genome position (GRCh38, 1-based): chr17:31,214,589, A deleted; the last of 2 consecutive A bases (chr17:31,214,588-31,214,589); deleting either gives the same sequence. VCF-style (leftmost placement, unchanged base first): chr17-31214587-TA-T. GRCh37 (hg19) VCF-style: chr17-29541605-TA-T.
Other names: c.1527+4delA (NM_000267.3); c.1527+4del (NM_000267.4, NM_001128147.3).
Identifiers: ClinVar variation 3878988 (VCV003878988.1).